The following is an entry in ClinVar:

ClinVar aggregate classification (germline): Conflicting classifications of pathogenicity. Review status: criteria provided, conflicting classifications (1 of 4 stars). 4 submissions from 4 submitters: Uncertain significance (2); Likely benign (2). Last evaluated 2025-12-16.

Conditions:
Congenital myasthenic syndrome 2A. Also called: Myasthenic syndrome, congenital, 2a, slow-channel. Identifiers: Orphanet 590, MedGen C4225374, MONDO:0014581, OMIM 616313.
Congenital myasthenic syndrome 4C (CMS4C). Also called: Myasthenic syndrome, congenital, associated with acetylcholine receptor deficiency. Identifiers: Orphanet 590, MedGen C1837091, MONDO:0012157, OMIM 608931.

Allele frequency attached by ClinVar (database versions not stated): gnomAD 0.00004 and 0.00015; TOPMed 0.00011; ExAC 0.00063; 1000 Genomes Project 30x 0.00109; 1000 Genomes Project 0.00120.

Submissions (4):

Labcorp Genetics (formerly Invitae), Labcorp
Classification: Likely benign for Congenital myasthenic syndrome 2A. Last evaluated: 2025-12-16. Review status: criteria provided, single submitter. Criteria: Invitae Variant Classification Sherloc (09022015). Collection method: clinical testing. Allele origin: germline.

Revvity Omics, Revvity
Classification: Uncertain significance. Last evaluated: 2023-02-07. Review status: criteria provided, single submitter. Criteria: ACMG Guidelines, 2015. Collection method: clinical testing. Allele origin: germline.

Illumina Laboratory Services, Illumina
Classification: Uncertain significance for Congenital myasthenic syndrome 4C. Last evaluated: 2018-01-12. Review status: criteria provided, single submitter. Criteria: ICSL Variant Classification Criteria 13 December 2019. Collection method: clinical testing. Allele origin: germline.

GeneDx
Classification: Likely benign. Last evaluated: 2015-06-02. Review status: criteria provided, single submitter. Criteria: GeneDx Variant Classification (06012015). Collection method: clinical testing. Allele origin: germline. Affected: yes.
Comment: This variant is considered likely benign or benign based on one or more of the following criteria: it is a conservative change, it occurs at a poorly conserved position in the protein, it is predicted to be benign by multiple in silico algorithms, and/or has population frequency not consistent with disease.

NM_000747.3(CHRNB1):c.1225C>G (p.Pro409Ala)

Gene: CHRNB1 (cholinergic receptor nicotinic beta 1 subunit; plus strand). Cytogenetic location: 17p13.1.
Variant type: single nucleotide variant.
Coding change: c.1225C>G on transcript NM_000747.3 (MANE Select); coding-DNA position 1225, C replaced by G.
Protein change: p.Pro409Ala; replaces proline 409 with alanine.
Molecular consequence: missense variant.
Genome position (GRCh38, 1-based): chr17:7,455,801, C>G. VCF-style: chr17-7455801-C-G. GRCh37 (hg19) VCF-style: chr17-7359120-C-G.
Other names: short protein forms P409A.
Identifiers: ClinVar variation 325107 (VCV000325107.16), dbSNP rs202144045, ClinGen allele CA8348020.